The following is an entry in ClinVar:

ClinVar aggregate classification (germline): Likely benign. Review status: criteria provided, multiple submitters, no conflicts (2 of 4 stars). 2 submissions from 2 submitters: Likely benign (2). Last evaluated 2026-03-01.

Conditions:
CHD5-related disorder. Also called: CHD5-related condition.

Submissions (2):

CeGaT Center for Human Genetics Tuebingen
Classification: Likely benign. Last evaluated: 2026-03-01. Review status: criteria provided, single submitter. Criteria: CeGaT Center For Human Genetics Tuebingen Variant Classification Criteria Version 2. Collection method: clinical testing. Allele origin: germline. Affected: yes. Observed: 1 variant allele.
Comment: CHD5: BP4, BP7, BS1

PreventionGenetics, part of Exact Sciences
Classification: Likely benign for CHD5-related condition. Last evaluated: 2025-06-16. Review status: criteria provided, single submitter. Criteria: ACMG Guidelines, 2015. Collection method: clinical testing. Allele origin: germline.
Comment: This variant is classified as likely benign based on ACMG/AMP sequence variant interpretation guidelines (Richards et al. 2015 PMID: 25741868, with internal and published modifications).

NM_015557.3(CHD5):c.5463C>T (p.Pro1821=)

Gene: CHD5 (chromodomain helicase DNA binding protein 5; minus strand). Cytogenetic location: 1p36.31.
Variant type: single nucleotide variant.
Coding change: c.5463C>T on transcript NM_015557.3 (MANE Select); coding-DNA position 5463, C replaced by T.
Protein change: p.Pro1821=; no amino-acid change (proline 1821 retained).
Molecular consequence: synonymous variant.
Genome position (GRCh38, 1-based): chr1:6,109,910, G>A on the plus strand (C>T on the coding strand, the complement: CHD5 is on the minus strand). VCF-style: chr1-6109910-G-A. GRCh37 (hg19) VCF-style: chr1-6169970-G-A.
Other names: c.5463C>T (NM_015557.2).
Identifiers: ClinVar variation 4820969 (VCV004820969.5).